The following is an entry in ClinVar:

ClinVar aggregate classification (germline): Pathogenic (1 of 4 stars; one submission).

Conditions:
Neurofibromatosis, type 1 (NF1). Also called: VON RECKLINGHAUSEN DISEASE; Peripheral type neurofibromatosis; Neurofibromatosis, type I; NEUROFIBROMATOSIS, TYPE I, SOMATIC. Identifiers: Orphanet 636, MedGen C0027831, MONDO:0018975, OMIM 162200. Disease mechanism: loss of function.

Submission:

Labcorp Genetics (formerly Invitae), Labcorp
Classification: Pathogenic for Neurofibromatosis, type 1. Last evaluated: 2022-11-25. Review status: criteria provided, single submitter. Criteria: Invitae Variant Classification Sherloc (09022015). Collection method: clinical testing. Allele origin: germline.
Comment: This sequence change creates a premature translational stop signal (p.Pro865Hisfs*13) in the NF1 gene. It is expected to result in an absent or disrupted protein product. Loss-of-function variants in NF1 are known to be pathogenic (PMID: 10712197, 23913538). This variant is not present in population databases (gnomAD no frequency). This variant has not been reported in the literature in individuals affected with NF1-related conditions. For these reasons, this variant has been classified as Pathogenic.

Literature cited by the submitters: PubMed 10712197; PubMed 23913538.

NM_001042492.3(NF1):c.2594del (p.Pro865fs)

Gene: NF1 (neurofibromin 1; plus strand). Cytogenetic location: 17q11.2.
Variant type: Deletion.
Coding change: c.2594del on transcript NM_001042492.3 (MANE Select); coding-DNA position 2594, one base deleted (C; older notation c.2594delC).
Protein change: p.Pro865fs; shifts the reading frame from proline 865.
Molecular consequence: frameshift variant.
Genome position (GRCh38, 1-based): chr17:31,229,209, C deleted; the last of 3 consecutive C bases (chr17:31,229,207-31,229,209); deleting any one gives the same sequence. VCF-style (leftmost placement, unchanged base first): chr17-31229206-GC-G. GRCh37 (hg19) VCF-style: chr17-29556224-GC-G.
Other names: c.2594delC, p.Pro865Hisfs (NM_000267.4); short protein forms P865fs.
Identifiers: ClinVar variation 2816682 (VCV002816682.3), dbSNP rs2508184836, ClinGen allele CA2739267357.
Genomic context (GRCh38, chr17:31,229,206, plus strand): 5'-TTTGTGCCCTTGGGGGAGTGTGCCTCCAGCAGAGAAGCAATTCTGGCCTGGCAACCTATA[GC>G]CCACCCATGGGTCCAGTCAGTGAACGTAAGGGTTCTATGATTTCAGTGATGTCTTCAGAG-3'